The following is an entry in ClinVar:

ClinVar aggregate classification (germline): Pathogenic (1 of 4 stars; one submission).

Submission:

Labcorp Genetics (formerly Invitae), Labcorp
Classification: Pathogenic. Last evaluated: 2022-03-01. Review status: criteria provided, single submitter. Criteria: Invitae Variant Classification Sherloc (09022015). Collection method: clinical testing. Allele origin: germline.
Comment: For these reasons, this variant has been classified as Pathogenic. This variant disrupts a region of the ERCC8 protein in which other variant(s) (p.Ala205Pro) have been determined to be pathogenic (PMID: 14661080, 16949367, 29531219, 32048102). This suggests that this is a clinically significant region of the protein, and that variants that disrupt it are likely to be disease-causing. This variant has not been reported in the literature in individuals affected with ERCC8-related conditions. This variant is a gross deletion of the genomic region encompassing exon(s) 6-12 of the ERCC8 gene, which includes the termination codon. This deletion extends beyond the assayed region for this gene and therefore may encompass additional genes. While this deletion is not anticipated to lead to nonsense mediated decay, it is expected to alter mRNA translation or result in a truncated protein product.

Literature cited by the submitters: PubMed 14661080; PubMed 16949367; PubMed 29531219; PubMed 32048102.

NC_000005.9:g.(?_60170432)_(60199553_?)del

Gene: ERCC8 (ERCC excision repair 8, CSA ubiquitin ligase complex subunit; minus strand). Cytogenetic location: 5q12.1.
Variant type: Deletion.
Identifiers: ClinVar variation 2422323 (VCV002422323.4).